The following is an entry in ClinVar:

ClinVar aggregate classification (germline): Likely pathogenic (1 of 4 stars; one submission).

Conditions:
IFT74-related disorder. Also called: IFT74-related condition; IFT74-Related Disorders.

gnomAD v4.1: 20 of 1,531,148 alleles (0.0013%); highest among the groups gnomAD compares: Non-Finnish European, 0.0018%; no homozygotes.

Submission:

PreventionGenetics, part of Exact Sciences
Classification: Likely pathogenic for IFT74-related condition. Last evaluated: 2026-07-31. Review status: criteria provided, single submitter. Criteria: ACMG Guidelines, 2015. Collection method: clinical testing. Allele origin: germline.
Comment: The IFT74 c.973C>T variant is predicted to result in premature protein termination (p.Gln325*). To our knowledge, this variant has not been reported in the literature. This variant is reported in 0.0067% of alleles in individuals of African descent in gnomAD. Nonsense variants in IFT74 are expected to be pathogenic. This variant is interpreted as likely pathogenic.

NM_025103.4(IFT74):c.973C>T (p.Gln325Ter)

Gene: IFT74 (intraflagellar transport 74; plus strand). Cytogenetic location: 9p21.2.
Variant type: single nucleotide variant.
Coding change: c.973C>T on transcript NM_025103.4 (MANE Select); coding-DNA position 973, C replaced by T.
Protein change: p.Gln325Ter; replaces glutamine 325 with a stop codon.
Molecular consequence: nonsense.
Genome position (GRCh38, 1-based): chr9:27,018,686, C>T. VCF-style: chr9-27018686-C-T. GRCh37 (hg19) VCF-style: chr9-27018684-C-T.
Other names: c.973C>T, p.Gln325Ter (NM_001099222.3, NM_001099223.3, NM_001099224.3 and 1 more transcripts); short protein forms Q325*.
Identifiers: ClinVar variation 4986490 (VCV004986490.1).
Genomic context (GRCh38, chr9:27,018,686, plus strand): 5'-TTTCTTTTTATGCCTTTGTAGATTAAAGATGATAATCAGGAAATAGCCAGCATGGAAAGA[C>T]AGTAAGTATCTTTATACTAGGACATTTTACATCCATTTCTCACTTTAAAAATTACATTCT-3'